The following is an entry in ClinVar:

NM_001111067.4(ACVR1):c.236T>C (p.Met79Thr)

Gene: ACVR1 (activin A receptor type 1; minus strand). Cytogenetic location: 2q24.1.
Variant type: single nucleotide variant.
Coding change: c.236T>C on transcript NM_001111067.4 (MANE Select); coding-DNA position 236, T replaced by C.
Protein change: p.Met79Thr; replaces methionine 79 with threonine.
Molecular consequence: missense variant.
Genome position (GRCh38, 1-based): chr2:157,780,432, A>G on the plus strand (T>C on the coding strand, the complement: ACVR1 is on the minus strand). VCF-style: chr2-157780432-A-G. GRCh37 (hg19) VCF-style: chr2-158636944-A-G.
Other names: c.236T>C, p.Met79Thr (NM_001105.5, NM_001347663.1, NM_001347664.1 and 3 more transcripts); short protein forms M79T.
Identifiers: ClinVar variation 2693497 (VCV002693497.3), dbSNP rs2467967263, ClinGen allele CA349193679.

ClinVar aggregate classification (germline): Uncertain significance (1 of 4 stars; one submission).

Submission:

Labcorp Genetics (formerly Invitae), Labcorp
Classification: Uncertain significance. Last evaluated: 2023-11-05. Review status: criteria provided, single submitter. Criteria: Invitae Variant Classification Sherloc (09022015). Collection method: clinical testing. Allele origin: germline.
Comment: This sequence change replaces methionine, which is neutral and non-polar, with threonine, which is neutral and polar, at codon 79 of the ACVR1 protein (p.Met79Thr). This variant is not present in population databases (gnomAD no frequency). This variant has not been reported in the literature in individuals affected with ACVR1-related conditions. An algorithm developed to predict the effect of missense changes on protein structure and function (PolyPhen-2) suggests that this variant is likely to be disruptive. In summary, the available evidence is currently insufficient to determine the role of this variant in disease. Therefore, it has been classified as a Variant of Uncertain Significance.